The following is an entry in ClinVar:

ClinVar aggregate classification (germline): Uncertain significance. Review status: criteria provided, single submitter (1 of 4 stars). 2 submissions from 2 submitters: Uncertain significance (1). 1 of the submissions does not count toward it. Last evaluated 2025-03-22.

Conditions:
Inborn genetic diseases. Identifiers: MedGen C0950123, MeSH D030342.
TTC8-related disorder. Also called: TTC8-related condition.

gnomAD v4.1: 18 of 1,613,836 alleles (0.0011%); highest among the groups gnomAD compares: East Asian, 0.0022%; no homozygotes.

Submissions (2):

Ambry Genetics
Classification: Uncertain significance for Inborn genetic diseases. Last evaluated: 2025-03-22. Review status: criteria provided, single submitter. Criteria: Ambry Variant Classification Scheme 2023. Collection method: clinical testing. Allele origin: germline.

PreventionGenetics, part of Exact Sciences
Classification: Uncertain significance for TTC8-related condition. Last evaluated: 2024-09-26. Review status: no assertion criteria provided. Collection method: clinical testing. Allele origin: germline. Not counted in ClinVar's aggregate classification.
Comment: The TTC8 c.1291G>A variant is predicted to result in the amino acid substitution p.Ala431Thr. To our knowledge, this variant has not been reported in the literature. This variant is reported in 0.0040% of alleles in individuals of African descent in gnomAD. At this time, the clinical significance of this variant is uncertain due to the absence of conclusive functional and genetic evidence.

NM_144596.4(TTC8):c.1291G>A (p.Ala431Thr)

Gene: TTC8 (tetratricopeptide repeat domain 8; plus strand). Cytogenetic location: 14q31.3.
Variant type: single nucleotide variant.
Coding change: c.1291G>A on transcript NM_144596.4 (MANE Select); coding-DNA position 1291, G replaced by A.
Protein change: p.Ala431Thr; replaces alanine 431 with threonine.
Molecular consequence: missense variant. On other transcripts: non-coding transcript variant (1).
Genome position (GRCh38, 1-based): chr14:88,872,396, G>A. VCF-style: chr14-88872396-G-A. GRCh37 (hg19) VCF-style: chr14-89338740-G-A.
Other names: c.1339G>A, p.Ala447Thr (NM_001288781.1); c.697G>A, p.Ala233Thr (NM_001288782.1); c.574G>A, p.Ala192Thr (NM_001288783.1); c.1261G>A, p.Ala421Thr (NM_001366535.2, NM_198309.3); c.1171G>A, p.Ala391Thr (NM_001366536.2, NM_198310.3); c.1261G>A (NM_198309.2); short protein forms A192T, A233T, A391T, A421T, A431T, A447T.
Identifiers: ClinVar variation 3348493 (VCV003348493.2).